The following is an entry in ClinVar:

ClinVar aggregate classification (germline): Uncertain significance (1 of 4 stars; one submission).

Conditions:
Familial hemophagocytic lymphohistiocytosis 2 (FHL2). Also called: PRF1-Related Familial Hemophagocytic Lymphohistiocytosis (PRF1-fHLH). Identifiers: Orphanet 540, MedGen C1863727, MONDO:0011337, OMIM 603553.

Allele frequency attached by ClinVar (database versions not stated): gnomAD exomes below 0.00001.

Submission:

Labcorp Genetics (formerly Invitae), Labcorp
Classification: Uncertain significance for Familial hemophagocytic lymphohistiocytosis 2. Last evaluated: 2023-10-03. Review status: criteria provided, single submitter. Criteria: Invitae Variant Classification Sherloc (09022015). Collection method: clinical testing. Allele origin: germline.
Comment: This sequence change replaces proline, which is neutral and non-polar, with alanine, which is neutral and non-polar, at codon 477 of the PRF1 protein (p.Pro477Ala). This variant is present in population databases (no rsID available, gnomAD 0.004%). This variant has not been reported in the literature in individuals affected with PRF1-related conditions. ClinVar contains an entry for this variant (Variation ID: 1406222). Advanced modeling of protein sequence and biophysical properties (such as structural, functional, and spatial information, amino acid conservation, physicochemical variation, residue mobility, and thermodynamic stability) has been performed at Invitae for this missense variant, however the output from this modeling did not meet the statistical confidence thresholds required to predict the impact of this variant on PRF1 protein function. In summary, the available evidence is currently insufficient to determine the role of this variant in disease. Therefore, it has been classified as a Variant of Uncertain Significance.

NM_001083116.3(PRF1):c.1429C>G (p.Pro477Ala)

Gene: PRF1 (perforin 1; minus strand). Cytogenetic location: 10q22.1.
Variant type: single nucleotide variant.
Coding change: c.1429C>G on transcript NM_001083116.3 (MANE Select); coding-DNA position 1429, C replaced by G.
Protein change: p.Pro477Ala; replaces proline 477 with alanine.
Molecular consequence: missense variant.
Genome position (GRCh38, 1-based): chr10:70,598,292, G>C on the plus strand (C>G on the coding strand, the complement: PRF1 is on the minus strand). VCF-style: chr10-70598292-G-C. GRCh37 (hg19) VCF-style: chr10-72358048-G-C.
Other names: c.1429C>G, p.Pro477Ala (NM_005041.6); short protein forms P477A.
Identifiers: ClinVar variation 1406222 (VCV001406222.8), dbSNP rs1023934247, ClinGen allele CA209366490.